The following is an entry in ClinVar:

ClinVar aggregate classification (germline): Pathogenic (1 of 4 stars; one submission).

Conditions:
Aortic aneurysm, familial thoracic 7 (AAT7). Also called: AORTIC DISSECTION, FAMILIAL, WITH OR WITHOUT AORTIC ANEURYSM. Identifiers: MedGen C3151077, MONDO:0013418, OMIM 613780.

Submission:

Labcorp Genetics (formerly Invitae), Labcorp
Classification: Pathogenic for Aortic aneurysm, familial thoracic 7. Last evaluated: 2021-06-16. Review status: criteria provided, single submitter. Criteria: Invitae Variant Classification Sherloc (09022015). Collection method: clinical testing. Allele origin: germline.
Comment: This sequence change creates a premature translational stop signal (p.Lys1724Argfs*13) in the MYLK gene. It is expected to result in an absent or disrupted protein product. Loss-of-function variants in MYLK are known to be pathogenic (PMID: 21055718, 28602422). This variant is not present in population databases (ExAC no frequency). This variant has not been reported in the literature in individuals with MYLK-related conditions. For these reasons, this variant has been classified as Pathogenic.

Literature cited by the submitters: PubMed 21055718; PubMed 28602422.

NM_053025.4(MYLK):c.5169del (p.Lys1724fs)

Genes: MYLK-AS1 (MYLK antisense RNA 1; plus strand), MYLK (myosin light chain kinase; minus strand). Cytogenetic location: 3q21.1.
Variant type: Deletion.
Coding change: c.5169del on transcript NM_053025.4 (MANE Select); coding-DNA position 5169, one base deleted (C; older notation c.5169delC).
Protein change: p.Lys1724fs; shifts the reading frame from lysine 1724.
Molecular consequence: frameshift variant.
Genome position (GRCh38, 1-based): chr3:123,626,887, G deleted on the plus strand (C on the coding strand, the reverse complement: MYLK is on the minus strand); the first of 2 consecutive G bases (chr3:123,626,887-123,626,888); deleting either gives the same sequence. VCF-style (leftmost placement, unchanged base first): chr3-123626886-TG-T. GRCh37 (hg19) VCF-style: chr3-123345733-TG-T.
Other names: c.4641del, p.Lys1548fs (NM_001321309.2); c.4962del, p.Lys1655fs (NM_053026.4); c.5016del, p.Lys1673fs (NM_053027.4); c.4809del, p.Lys1604fs (NM_053028.4); short protein forms K1548fs, K1724fs, K1604fs, K1673fs, K1655fs.
Identifiers: ClinVar variation 1367346 (VCV001367346.8), dbSNP rs2107974888, ClinGen allele CA2573136415.